The following is an entry in ClinVar:

ClinVar aggregate classification (germline): Pathogenic (1 of 4 stars; one submission).

Submission:

Labcorp Genetics (formerly Invitae), Labcorp
Classification: Pathogenic. Last evaluated: 2023-06-06. Review status: criteria provided, single submitter. Criteria: Invitae Variant Classification Sherloc (09022015). Collection method: clinical testing. Allele origin: germline.
Comment: For these reasons, this variant has been classified as Pathogenic. Algorithms developed to predict the effect of sequence changes on RNA splicing suggest that this variant may disrupt the consensus splice site. Disruption of this splice site has been observed in individual(s) with Usher syndrome (PMID: 32188678). This variant is not present in population databases (gnomAD no frequency). This sequence change affects a donor splice site in intron 6 of the USH2A gene. It is expected to disrupt RNA splicing. Variants that disrupt the donor or acceptor splice site typically lead to a loss of protein function (PMID: 16199547), and loss-of-function variants in USH2A are known to be pathogenic (PMID: 10729113, 10909849, 20507924, 25649381).

Literature cited by the submitters: PubMed 32188678; PubMed 16199547; PubMed 10729113; PubMed 10909849; PubMed 20507924; PubMed 25649381.

NM_206933.4(USH2A):c.1143+2T>G

Gene: USH2A (usherin; minus strand). Cytogenetic location: 1q41.
Variant type: single nucleotide variant.
Coding change: c.1143+2T>G on transcript NM_206933.4 (MANE Select); the canonical splice donor site of the intron after coding-DNA position 1143, T replaced by G.
Molecular consequence: splice donor variant.
Genome position (GRCh38, 1-based): chr1:216,325,303, A>C on the plus strand (T>G on the coding strand, the complement: USH2A is on the minus strand). VCF-style: chr1-216325303-A-C. GRCh37 (hg19) VCF-style: chr1-216498645-A-C.
Other names: c.1143+2T>G (NM_007123.6).
Identifiers: ClinVar variation 2693575 (VCV002693575.3), dbSNP rs2102655666, ClinGen allele CA344912155.